The following is an entry in ClinVar:

ClinVar aggregate classification (germline): Pathogenic/Likely pathogenic. Review status: criteria provided, multiple submitters, no conflicts (2 of 4 stars). 2 submissions from 2 submitters: Pathogenic (1); Likely pathogenic (1). Last evaluated 2026-09-29.

Conditions:
Neurofibromatosis, type 1 (NF1). Also called: VON RECKLINGHAUSEN DISEASE; NEUROFIBROMATOSIS, TYPE I, SOMATIC; Neurofibromatosis, type I; Peripheral type neurofibromatosis. Identifiers: Orphanet 636, MedGen C0027831, MONDO:0018975, OMIM 162200. Disease mechanism: loss of function.

Submissions (2):

Myriad Genetics, Inc.
Classification: Pathogenic for Neurofibromatosis, type 1. Last evaluated: 2026-09-29. Review status: criteria provided, single submitter. Criteria: Myriad Autosomal Dominant, Autosomal Recessive and X-Linked Classification Criteria (2023). Collection method: clinical testing. Allele origin: unknown.
Comment: This variant is considered pathogenic. mRNA analysis has demonstrated abnormal mRNA splicing occurs [Myriad internal data]. This variant has been reported in multiple individuals with clinical features of gene-specific disease [external communications 2026, Myriad internal data].

Labcorp Genetics (formerly Invitae), Labcorp
Classification: Likely pathogenic for Neurofibromatosis, type 1. Last evaluated: 2023-03-23. Review status: criteria provided, single submitter. Criteria: Invitae Variant Classification Sherloc (09022015). Collection method: clinical testing. Allele origin: germline.
Comment: This sequence change replaces arginine, which is basic and polar, with methionine, which is neutral and non-polar, at codon 997 of the NF1 protein (p.Arg997Met). This variant also falls at the last nucleotide of exon 22, which is part of the consensus splice site for this exon. This variant is not present in population databases (gnomAD no frequency). This missense change has been observed in individual(s) with NF1-related conditions (Invitae). ClinVar contains an entry for this variant (Variation ID: 457612). An algorithm developed to predict the effect of missense changes on protein structure and function (PolyPhen-2) suggests that this variant is likely to be disruptive. Variants that disrupt the consensus splice site are a relatively common cause of aberrant splicing (PMID: 17576681, 9536098). Algorithms developed to predict the effect of sequence changes on RNA splicing suggest that this variant may disrupt the consensus splice site. This variant disrupts the c.2990 nucleotide in the NF1 gene. Other variant(s) that disrupt this nucleotide have been determined to be pathogenic (PMID: 23656349, 23913538). This suggests that this nucleotide is clinically significant, and that variants that disrupt this position are likely to be disease-causing. In summary, the currently available evidence indicates that the variant is pathogenic, but additional data are needed to prove that conclusively. Therefore, this variant has been classified as Likely Pathogenic.

Literature cited by the submitters: PubMed 17576681 (cited by Labcorp Genetics (formerly Invitae), Labcorp); PubMed 9536098 (cited by Labcorp Genetics (formerly Invitae), Labcorp); PubMed 23656349 (cited by Labcorp Genetics (formerly Invitae), Labcorp); PubMed 23913538 (cited by Labcorp Genetics (formerly Invitae), Labcorp).

NM_001042492.3(NF1):c.2990G>T (p.Arg997Met)

Gene: NF1 (neurofibromin 1; plus strand). Cytogenetic location: 17q11.2.
Variant type: single nucleotide variant.
Coding change: c.2990G>T on transcript NM_001042492.3 (MANE Select); coding-DNA position 2990, G replaced by T.
Protein change: p.Arg997Met; replaces arginine 997 with methionine.
Molecular consequence: missense variant.
Genome position (GRCh38, 1-based): chr17:31,229,974, G>T. VCF-style: chr17-31229974-G-T. GRCh37 (hg19) VCF-style: chr17-29556992-G-T.
Other names: c.2990G>T, p.Arg997Met (NM_000267.4); short protein forms R997M.
Identifiers: ClinVar variation 457612 (VCV000457612.6), dbSNP rs1555614462, ClinGen allele CA398986456.